The following is an entry in ClinVar:

ClinVar aggregate classification (germline): Conflicting classifications of pathogenicity. Review status: criteria provided, conflicting classifications (1 of 4 stars). 2 submissions from 2 submitters: Uncertain significance (1); Likely benign (1). Last evaluated 2024-12-12.

Allele frequency attached by ClinVar (database versions not stated): ExAC 0.00001; gnomAD 0.00001; gnomAD exomes 0.00002.

Submissions (2):

Labcorp Genetics (formerly Invitae), Labcorp
Classification: Likely benign. Last evaluated: 2024-12-12. Review status: criteria provided, single submitter. Criteria: Invitae Variant Classification Sherloc (09022015). Collection method: clinical testing. Allele origin: germline.

GeneDx
Classification: Uncertain significance. Last evaluated: 2024-06-20. Review status: criteria provided, single submitter. Criteria: GeneDx Variant Classification Process June 2021. Collection method: clinical testing. Allele origin: germline. Affected: yes.
Comment: In silico analysis indicates that this missense variant does not alter protein structure/function; Has not been previously published as pathogenic or benign to our knowledge

NM_001457.4(FLNB):c.6397G>A (p.Val2133Ile)

Gene: FLNB (filamin B; plus strand). Cytogenetic location: 3p14.3.
Variant type: single nucleotide variant.
Coding change: c.6397G>A on transcript NM_001457.4 (MANE Select); coding-DNA position 6397, G replaced by A.
Protein change: p.Val2133Ile; replaces valine 2133 with isoleucine.
Molecular consequence: missense variant.
Genome position (GRCh38, 1-based): chr3:58,153,404, G>A. VCF-style: chr3-58153404-G-A. GRCh37 (hg19) VCF-style: chr3-58139131-G-A.
Other names: c.6490G>A, p.Val2164Ile (NM_001164317.2); c.6364G>A, p.Val2122Ile (NM_001164318.2); c.6325G>A, p.Val2109Ile (NM_001164319.2); c.6397G>A (NM_001457.3); short protein forms V2122I, V2164I, V2109I, V2133I.
Identifiers: ClinVar variation 1939699 (VCV001939699.6), dbSNP rs752834312, ClinGen allele CA2469394.